The following is an entry in ClinVar:

ClinVar aggregate classification (germline): Uncertain significance (1 of 4 stars; one submission).

Allele frequency attached by ClinVar (database versions not stated): gnomAD exomes below 0.00001.
gnomAD v4.1: 1 of 1,613,998 alleles (0.000062%); highest among the groups gnomAD compares: African/African-American, 0.0013%; no homozygotes.

Submission:

Labcorp Genetics (formerly Invitae), Labcorp
Classification: Uncertain significance. Last evaluated: 2022-11-01. Review status: criteria provided, single submitter. Criteria: Invitae Variant Classification Sherloc (09022015). Collection method: clinical testing. Allele origin: germline.
Comment: In summary, the available evidence is currently insufficient to determine the role of this variant in disease. Therefore, it has been classified as a Variant of Uncertain Significance. Advanced modeling of protein sequence and biophysical properties (such as structural, functional, and spatial information, amino acid conservation, physicochemical variation, residue mobility, and thermodynamic stability) performed at Invitae indicates that this missense variant is not expected to disrupt FAT4 protein function. ClinVar contains an entry for this variant (Variation ID: 1362162). This variant has not been reported in the literature in individuals affected with FAT4-related conditions. This variant is not present in population databases (gnomAD no frequency). This sequence change replaces tyrosine, which is neutral and polar, with histidine, which is basic and polar, at codon 1066 of the FAT4 protein (p.Tyr1066His).

NM_001291303.3(FAT4):c.3196T>C (p.Tyr1066His)

Gene: FAT4 (FAT atypical cadherin 4; plus strand). Cytogenetic location: 4q28.1.
Variant type: single nucleotide variant.
Coding change: c.3196T>C on transcript NM_001291303.3 (MANE Select); coding-DNA position 3196, T replaced by C.
Protein change: p.Tyr1066His; replaces tyrosine 1066 with histidine.
Molecular consequence: missense variant.
Genome position (GRCh38, 1-based): chr4:125,319,607, T>C. VCF-style: chr4-125319607-T-C. GRCh37 (hg19) VCF-style: chr4-126240762-T-C.
Other names: c.3196T>C, p.Tyr1066His (NM_001291285.3, NM_024582.6); short protein forms Y1066H.
Identifiers: ClinVar variation 1362162 (VCV001362162.6), dbSNP rs374993866, ClinGen allele CA104865975.